The following is an entry in ClinVar:

NM_000069.3(CACNA1S):c.1325T>C (p.Val442Ala)

Gene: CACNA1S (calcium voltage-gated channel subunit alpha1 S; minus strand). Cytogenetic location: 1q32.1.
Variant type: single nucleotide variant.
Coding change: c.1325T>C on transcript NM_000069.3 (MANE Select); coding-DNA position 1325, T replaced by C.
Protein change: p.Val442Ala; replaces valine 442 with alanine.
Molecular consequence: missense variant.
Genome position (GRCh38, 1-based): chr1:201,083,230, A>G on the plus strand (T>C on the coding strand, the complement: CACNA1S is on the minus strand). VCF-style: chr1-201083230-A-G. GRCh37 (hg19) VCF-style: chr1-201052358-A-G.
Other names: short protein forms V442A.
Identifiers: ClinVar variation 701517 (VCV000701517.15), dbSNP rs202217590, ClinGen allele CA078140.

ClinVar aggregate classification (germline): Conflicting classifications of pathogenicity. Review status: criteria provided, conflicting classifications (1 of 4 stars). 5 submissions from 5 submitters: Uncertain significance (3); Likely benign (2). Last evaluated 2025-06-05.

Conditions:
Malignant hyperthermia, susceptibility to, 5 (MHS5). Also called: CACNA1S-Related Malignant Hyperthermia Susceptibility. Identifiers: Orphanet 423, MedGen C1866077, MONDO:0011163, OMIM 601887.
Hypokalemic periodic paralysis, type 1. Also called: Hypokalemic Periodic Paralysis Type 1 (AD); HypoPP. Identifiers: Orphanet 681, MedGen C3714580, MONDO:0042979, OMIM 170400.

Allele frequency attached by ClinVar (database versions not stated): TOPMed 0.00005; gnomAD exomes 0.00009 and 0.00019; gnomAD 0.00010; ExAC 0.00024.
gnomAD v4.1: 157 of 1,614,206 alleles (0.0097%); highest among the groups gnomAD compares: Non-Finnish European, 0.006%; no homozygotes.

Submissions (5):

Labcorp Genetics (formerly Invitae), Labcorp
Classification: Likely benign for Hypokalemic periodic paralysis, type 1; Malignant hyperthermia, susceptibility to, 5. Last evaluated: 2025-06-05. Review status: criteria provided, single submitter. Criteria: Invitae Variant Classification Sherloc (09022015). Collection method: clinical testing. Allele origin: germline.

Blueprint Genetics
Classification: Likely benign. Last evaluated: 2024-08-20. Review status: criteria provided, single submitter. Criteria: ACMG Guidelines, 2015. Collection method: clinical testing. Allele origin: germline.

Color Diagnostics, LLC DBA Color Health
Classification: Uncertain significance for Malignant hyperthermia, susceptibility to, 5. Last evaluated: 2024-08-13. Review status: criteria provided, single submitter. Criteria: ACMG Guidelines, 2015. Collection method: clinical testing. Allele origin: germline.
Comment: This missense variant replaces valine with alanine at codon 442 of the CACNA1S protein. Computational prediction suggests that this variant may have deleterious impact on protein structure and function. To our knowledge, functional studies have not been reported for this variant. This variant has not been reported in individuals affected with CACNA1S-related disorders in the literature. This variant has been identified in 53/282880 chromosomes in the general population by the Genome Aggregation Database (gnomAD). The available evidence is insufficient to determine the role of this variant in disease conclusively. Therefore, this variant is classified as a Variant of Uncertain Significance.

Revvity Omics, Revvity
Classification: Uncertain significance. Last evaluated: 2023-09-26. Review status: criteria provided, single submitter. Criteria: ACMG Guidelines, 2015. Collection method: clinical testing. Allele origin: germline.

Human Genome Sequencing Center Clinical Lab, Baylor College of Medicine
Classification: Uncertain significance for Malignant hyperthermia susceptibility 5. Review status: criteria provided, single submitter. Criteria: ACMG Guidelines, 2015. Collection method: clinical testing. Allele origin: germline.